The following is an entry in ClinVar:

ClinVar aggregate classification (germline): Conflicting classifications of pathogenicity. Review status: criteria provided, conflicting classifications (1 of 4 stars). 3 submissions from 3 submitters: Pathogenic (1); Likely pathogenic (1); Uncertain significance (1). Last evaluated 2024-05-09.

Conditions:
Malignant hyperthermia, susceptibility to, 1 (MHS1). Also called: RYR1-Related Malignant Hyperthermia Susceptibility; Malignant hyperthermia suceptibility 1; Anesthesia related hyperthermia; Malignant hyperpyrexia; Fulminating hyperpyrexia; Pharmacogenic myopathy. Identifiers: Orphanet 423, MedGen C2930980, MONDO:0007783, OMIM 145600.
King Denborough syndrome (KDS). Identifiers: MedGen C1840365, MONDO:0020485, OMIM 619542.
Central core myopathy (CMYO1A). Also called: CONGENITAL MYOPATHY 1A, AUTOSOMAL DOMINANT, WITH SUSCEPTIBILITY TO MALIGNANT HYPERTHERMIA; Central core disease; Myopathy, central fibrillar. Identifiers: Orphanet 597, MedGen C5830701, MONDO:0007294, OMIM 117000.
Congenital multicore myopathy with external ophthalmoplegia (CMYO1B). Also called: MULTICORE MYOPATHY; Congenital myopathy 1B, autosomal recessive; Minicore myopathy; Minicore myopathy with external ophthalmoplegia; MULTIMINICORE DISEASE WITH EXTERNAL OPHTHALMOPLEGIA. Identifiers: Orphanet 598, Orphanet 98905, MedGen C1850674, MONDO:0009712, OMIM 255320, HP:0003789.
RYR1-related disorder. Also called: RYR1-related condition; RYR1-related disorders. Identifiers: MedGen CN239331.

Submissions (3):

All of Us Research Program, National Institutes of Health
Classification: Uncertain significance for Malignant hyperthermia, susceptibility to, 1. Last evaluated: 2024-05-09. Review status: criteria provided, single submitter. Criteria: ACMG Guidelines, 2015. Collection method: clinical testing. Allele origin: germline. Inheritance: Autosomal dominant inheritance. Observed: 2 variant alleles, 2 heterozygotes.
Comment: This study involves interpretation of variants in research participants for the purpose of population health screening. Participant phenotype was not available at the time of variant classification. Additional details can be found in publication PMID: 35346344, PMCID: PMC8962531

Labcorp Genetics (formerly Invitae), Labcorp
Classification: Pathogenic for RYR1-related disorder. Last evaluated: 2022-08-23. Review status: criteria provided, single submitter. Criteria: Invitae Variant Classification Sherloc (09022015). Collection method: clinical testing. Allele origin: germline.
Comment: This sequence change creates a premature translational stop signal (p.Arg3539Valfs*4) in the RYR1 gene. It is expected to result in an absent or disrupted protein product. Loss-of-function variants in RYR1 are known to be pathogenic (PMID: 20583297, 20839240, 23919265, 28818389). This variant is not present in population databases (gnomAD no frequency). This variant has not been reported in the literature in individuals affected with RYR1-related conditions. For these reasons, this variant has been classified as Pathogenic.

Juno Genomics, Hangzhou Juno Genomics, Inc
Classification: Likely pathogenic for Central core myopathy; Congenital multicore myopathy with external ophthalmoplegia; Malignant hyperthermia, susceptibility to, 1; King Denborough syndrome. Review status: criteria provided, single submitter. Criteria: ACMG Guidelines, 2015. Collection method: clinical testing. Allele origin: germline.
Comment: Null variant in a gene where loss of function (LOF) is a known mechanism of disease.;Absent from controls (or at extremely low frequency if recessive) in Genome Aggregation Database.

Literature cited by the submitters: PubMed 20583297 (cited by Labcorp Genetics (formerly Invitae), Labcorp); PubMed 20839240 (cited by Labcorp Genetics (formerly Invitae), Labcorp); PubMed 23919265 (cited by Labcorp Genetics (formerly Invitae), Labcorp); PubMed 28818389 (cited by Labcorp Genetics (formerly Invitae), Labcorp).

NM_000540.3(RYR1):c.10615del (p.Arg3539fs)

Gene: RYR1 (ryanodine receptor 1; plus strand). Cytogenetic location: 19q13.2.
Variant type: Deletion.
Coding change: c.10615del on transcript NM_000540.3 (MANE Select); coding-DNA position 10615, one base deleted (C; older notation c.10615delC).
Protein change: p.Arg3539fs; shifts the reading frame from arginine 3539.
Molecular consequence: frameshift variant.
Genome position (GRCh38, 1-based): chr19:38,525,491, C deleted; the last of 3 consecutive C bases (chr19:38,525,489-38,525,491); deleting any one gives the same sequence. VCF-style (leftmost placement, unchanged base first): chr19-38525488-AC-A. GRCh37 (hg19) VCF-style: chr19-39016128-AC-A.
Other names: c.10600del, p.Arg3534fs (NM_001042723.2); short protein forms R3534fs, R3539fs.
Identifiers: ClinVar variation 2178235 (VCV002178235.7), dbSNP rs2514477883, ClinGen allele CA2580097185.
Genomic context (GRCh38, chr19:38,525,488, plus strand): 5'-CTGCCCATCGGCCTGAATATGTGTGCGCCCACCGACCAAGACCTCATCACGCTGGCCAAG[AC>A]CCGTTACGCCCTGGTGCCTGCCCAGCCCCGTCCTCGGAACCTTCCAGGATGCCGCCCAGC-3'